The following is an entry in ClinVar:

NM_000540.3(RYR1):c.868C>T (p.Leu290=)

Gene: RYR1 (ryanodine receptor 1; plus strand). Cytogenetic location: 19q13.2.
Variant type: single nucleotide variant.
Coding change: c.868C>T on transcript NM_000540.3 (MANE Select); coding-DNA position 868, C replaced by T.
Protein change: p.Leu290=; no amino-acid change (leucine 290 retained).
Molecular consequence: synonymous variant.
Genome position (GRCh38, 1-based): chr19:38,448,422, C>T. VCF-style: chr19-38448422-C-T. GRCh37 (hg19) VCF-style: chr19-38939062-C-T.
Other names: c.868C>T, p.Leu290= (NM_001042723.2).
Identifiers: ClinVar variation 2895319 (VCV002895319.4), dbSNP rs756969591, ClinGen allele CA072482.
Genomic context (GRCh38, chr19:38,448,422, plus strand): 5'-GGGAGCCACCTGCGCTGGGGCCAGCCACTCCGAGTCCGGCATGTCACTACCGGGCAGTAC[C>T]TAGCGCTCACCGAGGACCAGGGCCTGGTGGTGGTTGACGCCAGCAAGGCTCACACCAAGG-3'
Protein context (NP_000531.2, residues 280-300): RVRHVTTGQY[Leu290=]ALTEDQGLVV

ClinVar aggregate classification (germline): Likely benign. Review status: criteria provided, multiple submitters, no conflicts (2 of 4 stars). 2 submissions from 2 submitters: Likely benign (2). Last evaluated 2023-12-13.

Conditions:
Malignant hyperthermia, susceptibility to, 1 (MHS1). Also called: Anesthesia related hyperthermia; Malignant hyperpyrexia; Fulminating hyperpyrexia; Pharmacogenic myopathy; RYR1-Related Malignant Hyperthermia Susceptibility; Malignant hyperthermia suceptibility 1. Identifiers: Orphanet 423, MedGen C2930980, MONDO:0007783, OMIM 145600.
RYR1-related disorder. Also called: RYR1-related disorders; RYR1-related condition. Identifiers: MedGen CN239331.

Allele frequency attached by ClinVar (database versions not stated): ExAC 0.00001; gnomAD 0.00001; TOPMed 0.00001; gnomAD exomes 0.00003.
gnomAD v4.1: 23 of 1,613,412 alleles (0.0014%); highest among the groups gnomAD compares: Non-Finnish European, 0.0019%; no homozygotes.

Submissions (2):

All of Us Research Program, National Institutes of Health
Classification: Likely benign for Malignant hyperthermia, susceptibility to, 1. Last evaluated: 2023-12-13. Review status: criteria provided, single submitter. Criteria: ACMG Guidelines, 2015. Collection method: clinical testing. Allele origin: germline. Inheritance: Autosomal dominant inheritance. Observed: 3 variant alleles, 3 heterozygotes.
Comment: This study involves interpretation of variants in research participants for the purpose of population health screening. Participant phenotype was not available at the time of variant classification. Additional details can be found in publication PMID: 35346344, PMCID: PMC8962531

Labcorp Genetics (formerly Invitae), Labcorp
Classification: Likely benign for RYR1-related disorder. Last evaluated: 2023-11-07. Review status: criteria provided, single submitter. Criteria: Invitae Variant Classification Sherloc (09022015). Collection method: clinical testing. Allele origin: germline.